The following is an entry in ClinVar:

NM_000744.7(CHRNA4):c.1279G>A (p.Asp427Asn)

Gene: CHRNA4 (cholinergic receptor nicotinic alpha 4 subunit; minus strand). Cytogenetic location: 20q13.33.
Variant type: single nucleotide variant.
Coding change: c.1279G>A on transcript NM_000744.7 (MANE Select); coding-DNA position 1279, G replaced by A.
Protein change: p.Asp427Asn; replaces aspartic acid 427 with asparagine.
Molecular consequence: missense variant. On other transcripts: non-coding transcript variant (1).
Genome position (GRCh38, 1-based): chr20:63,350,132, C>T on the plus strand (G>A on the coding strand, the complement: CHRNA4 is on the minus strand). VCF-style: chr20-63350132-C-T. GRCh37 (hg19) VCF-style: chr20-61981484-C-T.
Other names: c.751G>A, p.Asp251Asn (NM_001256573.2); short protein forms D251N, D427N.
Identifiers: ClinVar variation 1051385 (VCV001051385.9), dbSNP rs1196580622, ClinGen allele CA409633956.

ClinVar aggregate classification (germline): Uncertain significance (1 of 4 stars; one submission).

Conditions:
Familial sleep-related hypermotor epilepsy. Also called: Autosomal Dominant Sleep-Related Hypermotor (Hyperkinetic) Epilepsy. Identifiers: Orphanet 98784, MedGen C3696898, MONDO:0000030.

gnomAD v4.1: 13 of 1,563,024 alleles (0.00083%); highest among the groups gnomAD compares: South Asian, 0.0047%; no homozygotes.

Submission:

Labcorp Genetics (formerly Invitae), Labcorp
Classification: Uncertain significance. Last evaluated: 2020-07-24. Review status: criteria provided, single submitter. Criteria: Invitae Variant Classification Sherloc (09022015). Collection method: clinical testing. Allele origin: germline.
Comment: In summary, the available evidence is currently insufficient to determine the role of this variant in disease. Therefore, it has been classified as a Variant of Uncertain Significance. This variant has not been reported in the literature in individuals with CHRNA4-related conditions. Algorithms developed to predict the effect of missense changes on protein structure and function (SIFT, PolyPhen-2, Align-GVGD) all suggest that this variant is likely to be tolerated, but these predictions have not been confirmed by published functional studies and their clinical significance is uncertain. This variant is not present in population databases (ExAC no frequency). This sequence change replaces aspartic acid with asparagine at codon 427 of the CHRNA4 protein (p.Asp427Asn). The aspartic acid residue is weakly conserved and there is a small physicochemical difference between aspartic acid and asparagine.